The following is an entry in ClinVar:

ClinVar aggregate classification (germline): Conflicting classifications of pathogenicity. Review status: criteria provided, conflicting classifications (1 of 4 stars). 2 submissions from 2 submitters: Uncertain significance (1); Likely benign (1). Last evaluated 2026-01-19.

Conditions:
Bloom syndrome (BLM). Also called: Bloom-Torre-Machacek syndrome. Identifiers: Orphanet 125, MedGen C0005859, MONDO:0008876, OMIM 210900.
Hereditary cancer-predisposing syndrome. Also called: Neoplastic Syndromes, Hereditary; Tumor predisposition; Hereditary neoplastic syndrome; Hereditary Cancer Syndrome. Identifiers: Orphanet 140162, MedGen C0027672, MeSH D009386, MONDO:0015356.

Allele frequency attached by ClinVar (database versions not stated): gnomAD 0.00001; gnomAD exomes 0.00001.
gnomAD v4.1: 18 of 1,613,956 alleles (0.0011%); highest among the groups gnomAD compares: Non-Finnish European, 0.0015%; no homozygotes.

Submissions (2):

Labcorp Genetics (formerly Invitae), Labcorp
Classification: Uncertain significance for Bloom syndrome. Last evaluated: 2026-01-19. Review status: criteria provided, single submitter. Criteria: Invitae Variant Classification Sherloc (09022015). Collection method: clinical testing. Allele origin: germline.
Comment: This sequence change replaces serine, which is neutral and polar, with proline, which is neutral and non-polar, at codon 1342 of the BLM protein (p.Ser1342Pro). This variant is not present in population databases (gnomAD no frequency). This variant has not been reported in the literature in individuals affected with BLM-related conditions. ClinVar contains an entry for this variant (Variation ID: 824520). Invitae Evidence Modeling of protein sequence and biophysical properties (such as structural, functional, and spatial information, amino acid conservation, physicochemical variation, residue mobility, and thermodynamic stability) indicates that this missense variant is not expected to disrupt BLM protein function with a negative predictive value of 80%. In summary, the available evidence is currently insufficient to determine the role of this variant in disease. Therefore, it has been classified as a Variant of Uncertain Significance.

Ambry Genetics
Classification: Likely benign for Hereditary cancer-predisposing syndrome. Last evaluated: 2024-03-14. Review status: criteria provided, single submitter. Criteria: Ambry Variant Classification Scheme 2023. Collection method: clinical testing. Allele origin: germline.

NM_000057.4(BLM):c.4024T>C (p.Ser1342Pro)

Gene: BLM (BLM RecQ like helicase; plus strand). Cytogenetic location: 15q26.1.
Variant type: single nucleotide variant.
Coding change: c.4024T>C on transcript NM_000057.4 (MANE Select); coding-DNA position 4024, T replaced by C.
Protein change: p.Ser1342Pro; replaces serine 1342 with proline.
Molecular consequence: missense variant.
Genome position (GRCh38, 1-based): chr15:90,811,354, T>C. VCF-style: chr15-90811354-T-C. GRCh37 (hg19) VCF-style: chr15-91354584-T-C.
Other names: c.4024T>C, p.Ser1342Pro (NM_001287246.2); c.3631T>C, p.Ser1211Pro (NM_001287247.2); c.2899T>C, p.Ser967Pro (NM_001287248.2); short protein forms S1211P, S1342P, S967P.
Identifiers: ClinVar variation 824520 (VCV000824520.11), dbSNP rs1596273687, ClinGen allele CA393851316.
Genomic context (GRCh38, chr15:90,811,354, plus strand): 5'-TCTTCCCACTACTTTGCAAGTAAAACCAGAAATGAAAGGAAGAGGAAAAAGATGCCAGCC[T>C]CCCAAAGGTCTAAGAGGAGAAAAACTGCTTCCAGTGGTTCCAAGGCAAAGGGGTATGTTT-3'
Protein context (NP_000048.1, residues 1332-1352): NERKRKKMPA[Ser1342Pro]QRSKRRKTAS